The following is an entry in ClinVar:

ClinVar aggregate classification (germline): Uncertain significance (1 of 4 stars; one submission).

Conditions:
Inborn genetic diseases. Identifiers: MedGen C0950123, MeSH D030342.

Submission:

Ambry Genetics
Classification: Uncertain significance for Inborn genetic diseases. Last evaluated: 2025-05-31. Review status: criteria provided, single submitter. Criteria: Ambry Variant Classification Scheme 2023. Collection method: clinical testing. Allele origin: germline.
Comment: The p.P93L variant (also known as c.278C>T), located in coding exon 3 of the PAX5 gene, results from a C to T substitution at nucleotide position 278. The proline at codon 93 is replaced by leucine, an amino acid with similar properties. This amino acid position is conserved. In addition, this alteration is predicted to be deleterious by in silico analysis. Based on the available evidence, the clinical significance of this variant remains unclear.

NM_016734.3(PAX5):c.278C>T (p.Pro93Leu)

Gene: PAX5 (paired box 5; minus strand). Cytogenetic location: 9p13.2.
Variant type: single nucleotide variant.
Coding change: c.278C>T on transcript NM_016734.3 (MANE Select); coding-DNA position 278, C replaced by T.
Protein change: p.Pro93Leu; replaces proline 93 with leucine.
Molecular consequence: missense variant. On other transcripts: 5 prime UTR variant (2), non-coding transcript variant (2), intron variant (1).
Genome position (GRCh38, 1-based): chr9:37,015,129, G>A on the plus strand (C>T on the coding strand, the complement: PAX5 is on the minus strand). VCF-style: chr9-37015129-G-A. GRCh37 (hg19) VCF-style: chr9-37015126-G-A.
Other names: c.278C>T, p.Pro93Leu (NM_001280547.2, NM_001280548.2, NM_001280549.2 and 4 more transcripts); c.-47C>T (NM_001280551.2, NM_001280556.2); c.212+5507C>T (NM_001280555.2); short protein forms P93L.
Identifiers: ClinVar variation 3928349 (VCV003928349.1).
Genomic context (GRCh38, chr9:37,015,129, plus strand): 5'-TCCCAGGCAAACATGGTGGGATTTTGGCGTTTATATTCAGCGATTTTTTCCACCACTTTG[G>A]GTGTGGCGACCTTTGGTTTGGATCCTCCAATTACCCCAGGCTTGATGCTTCCTGTCTCAT-3'
Protein context (NP_057953.1, residues 83-103): IGGSKPKVAT[Pro93Leu]KVVEKIAEYK